The following is an entry in ClinVar:

ClinVar aggregate classification (germline): Likely benign. Review status: criteria provided, multiple submitters, no conflicts (2 of 4 stars). 5 submissions from 5 submitters: Likely benign (5). Last evaluated 2025-05-05.

Conditions:
Familial thoracic aortic aneurysm and aortic dissection (TAAD). Also called: Thoracic aortic aneurysms and dissections. Identifiers: Orphanet 91387, MedGen C4707243, MONDO:0019625.
Aortic aneurysm, familial thoracic 4 (AAT4). Also called: AORTIC ANEURYSM/AORTIC DISSECTION AND PATENT DUCTUS ARTERIOSUS. Identifiers: MedGen C1851504, MONDO:0007568, OMIM 132900.

Allele frequency attached by ClinVar (database versions not stated): gnomAD below 0.00001 and 0.00001; gnomAD exomes 0.00001 and 0.00005; ExAC 0.00006; 1000 Genomes Project 30x 0.00016; 1000 Genomes Project 0.00020.
gnomAD v4.1: 23 of 1,613,464 alleles (0.0014%); highest among the groups gnomAD compares: South Asian, 0.024%; no homozygotes.

Submissions (5):

Labcorp Genetics (formerly Invitae), Labcorp
Classification: Likely benign for Aortic aneurysm, familial thoracic 4. Last evaluated: 2025-05-05. Review status: criteria provided, single submitter. Criteria: Invitae Variant Classification Sherloc (09022015). Collection method: clinical testing. Allele origin: germline.

Ambry Genetics
Classification: Likely benign for Familial thoracic aortic aneurysm and aortic dissection. Last evaluated: 2025-02-23. Review status: criteria provided, single submitter. Criteria: Ambry Variant Classification Scheme 2023. Collection method: clinical testing. Allele origin: germline.

Blueprint Genetics
Classification: Likely benign. Last evaluated: 2024-10-01. Review status: criteria provided, single submitter. Criteria: ACMG Guidelines, 2015. Collection method: clinical testing. Allele origin: germline.

All of Us Research Program, National Institutes of Health
Classification: Likely benign for Familial thoracic aortic aneurysm and aortic dissection. Last evaluated: 2023-10-30. Review status: criteria provided, single submitter. Criteria: ACMG Guidelines, 2015. Collection method: clinical testing. Allele origin: germline. Inheritance: Autosomal dominant inheritance. Observed: 2 variant alleles, 2 heterozygotes.
Comment: This study involves interpretation of variants in research participants for the purpose of population health screening. Participant phenotype was not available at the time of variant classification. Additional details can be found in publication PMID: 35346344, PMCID: PMC8962531

Color Diagnostics, LLC DBA Color Health
Classification: Likely benign for Familial thoracic aortic aneurysm and aortic dissection. Last evaluated: 2019-11-20. Review status: criteria provided, single submitter. Criteria: ACMG Guidelines, 2015. Collection method: clinical testing. Allele origin: germline.

NM_002474.3(MYH11):c.3270G>A (p.Glu1090=)

Gene: MYH11 (myosin heavy chain 11; minus strand). Cytogenetic location: 16p13.11.
Variant type: single nucleotide variant.
Coding change: c.3270G>A on transcript NM_002474.3 (MANE Select); coding-DNA position 3270, G replaced by A.
Protein change: p.Glu1090=; no amino-acid change (glutamic acid 1090 retained).
Molecular consequence: synonymous variant.
Genome position (GRCh38, 1-based): chr16:15,737,472, C>T on the plus strand (G>A on the coding strand, the complement: MYH11 is on the minus strand). VCF-style: chr16-15737472-C-T. GRCh37 (hg19) VCF-style: chr16-15831329-C-T.
Other names: c.3291G>A, p.Glu1097= (NM_001040113.2, NM_001040114.2); c.3270G>A, p.Glu1090= (NM_022844.3); c.3270G>A (NM_002474.2).
Identifiers: ClinVar variation 702058 (VCV000702058.14), dbSNP rs531222844, ClinGen allele CA7922049.